The following is an entry in ClinVar:

NM_000257.4(MYH7):c.3577C>A (p.Arg1193Ser)

Gene: MYH7 (myosin heavy chain 7; minus strand). Cytogenetic location: 14q11.2.
Variant type: single nucleotide variant.
Coding change: c.3577C>A on transcript NM_000257.4 (MANE Select); coding-DNA position 3577, C replaced by A.
Protein change: p.Arg1193Ser; replaces arginine 1193 with serine.
Molecular consequence: missense variant.
Genome position (GRCh38, 1-based): chr14:23,419,994, G>T on the plus strand (C>A on the coding strand, the complement: MYH7 is on the minus strand). VCF-style: chr14-23419994-G-T. GRCh37 (hg19) VCF-style: chr14-23889203-G-T.
Other names: c.3577C>A (LRG_384t1); short protein forms R1193S.
Identifiers: ClinVar variation 264233 (VCV000264233.13), dbSNP rs886039090, ClinGen allele CA10587766.

ClinVar aggregate classification (germline): Conflicting classifications of pathogenicity. Review status: criteria provided, conflicting classifications (1 of 4 stars). 3 submissions from 3 submitters: Pathogenic (1); Uncertain significance (2). Last evaluated 2025-07-29.

Conditions:
Cardiovascular phenotype. Identifiers: MedGen CN230736.
Hypertrophic cardiomyopathy. Also called: HYPERTROPHIC MYOCARDIOPATHY. Identifiers: Orphanet 217569, MedGen C0007194, MeSH D002312, MONDO:0005045, HP:0001639.
Cardiomyopathy (CMYO). Also called: Cardiomyopathies. Identifiers: Orphanet 167848, MedGen C0878544, MONDO:0004994, HP:0001638. Inheritance: Various modes of inheritance.

Allele frequency attached by ClinVar (database versions not stated): gnomAD exomes below 0.00001.

Submissions (3):

Color Diagnostics, LLC DBA Color Health
Classification: Uncertain significance for Cardiomyopathy. Last evaluated: 2025-07-29. Review status: criteria provided, single submitter. Criteria: ACMG Guidelines, 2015. Collection method: clinical testing. Allele origin: germline.
Comment: This missense variant replaces arginine with serine at codon 1193 of the MYH7 protein. Computational prediction suggests that this variant may have deleterious impact on protein structure and function. To our knowledge, functional studies have not been reported for this variant. This variant has been reported in a family affected with dilated cardiomyopathy (PMID: 15769782). Among the ten carriers in this family, four individuals were affected, three individuals showed uncertain phenotype status and three other individuals were healthy. This variant has not been identified in the general population by the Genome Aggregation Database (gnomAD). A different missense variant occurring at the same codon, p.Arg1193His, is known to cause disease (ClinVar variation ID: 245042), indicating that arginine residue at this position is important for MYH7 protein function. Although there is a suspicion for a pathogenic role, the available evidence is insufficient to determine the role of p.Arg1193Ser variant in disease conclusively. Therefore, this variant is classified as a Variant of Uncertain Significance.

Labcorp Genetics (formerly Invitae), Labcorp
Classification: Pathogenic for Hypertrophic cardiomyopathy. Last evaluated: 2023-11-24. Review status: criteria provided, single submitter. Criteria: Invitae Variant Classification Sherloc (09022015). Collection method: clinical testing. Allele origin: germline.
Comment: This sequence change replaces arginine, which is basic and polar, with serine, which is neutral and polar, at codon 1193 of the MYH7 protein (p.Arg1193Ser). This variant is not present in population databases (gnomAD no frequency). This missense change has been observed in individual(s) with dilated cardiomyopathy (PMID: 15769782). It has also been observed to segregate with disease in related individuals. ClinVar contains an entry for this variant (Variation ID: 264233). Advanced modeling of protein sequence and biophysical properties (such as structural, functional, and spatial information, amino acid conservation, physicochemical variation, residue mobility, and thermodynamic stability) performed at Invitae indicates that this missense variant is expected to disrupt MYH7 protein function with a positive predictive value of 95%. This variant disrupts the p.Arg1193 amino acid residue in MYH7. Other variant(s) that disrupt this residue have been determined to be pathogenic (PMID: 22464770, 27532257; Invitae; external communication). This suggests that this residue is clinically significant, and that variants that disrupt this residue are likely to be disease-causing. For these reasons, this variant has been classified as Pathogenic.

Ambry Genetics
Classification: Uncertain significance for Cardiovascular phenotype. Last evaluated: 2015-09-08. Review status: criteria provided, single submitter. Criteria: Ambry Variant Classification Scheme 2023. Collection method: clinical testing. Allele origin: germline.
Comment: The p.R1193S variant (also known as c.3577C>A), located in coding exon 25 of the MYH7 gene, results from a C to A substitution at nucleotide position 3577. The arginine at codon 1193 is replaced by serine, an amino acid with dissimilar properties. This alteration was reported in a family with dilated cardiomyopathy (DCM) and showed incomplete penetrance (Villard E. et al. 2005 Eur Heart J 26 (794-803). An in silico model based analysis of residue p.R1193S predicted increased overall rod stiffness that may disrupt the efficacy of force generation and transmission to the extracellular matrix, which could potentially be associated with late onset DCM (Cammarato A. et al. 2011 J Mol Biol 414 (4) 477-484). This variant was not reported in population based cohorts in the following databases: Database of Single Nucleotide Polymorphisms (dbSNP), NHLBI Exome Sequencing Project (ESP), and 1000 Genomes Project. In the ESP, this variant was not observed in 6433 samples (12866 alleles) with coverage at this position. This amino acid position is highly conserved in available vertebrate species. In addition, this alteration is predicted to be deleterious by in silico analysis. Since supporting evidence is limited at this time, the clinical significance of this variant remains unclear.

Literature cited by the submitters: PubMed 15769782 (cited by 3 submitters); PubMed 22464770 (cited by Labcorp Genetics (formerly Invitae), Labcorp); PubMed 27532257 (cited by Labcorp Genetics (formerly Invitae), Labcorp); PubMed 22037585 (cited by Ambry Genetics).